The following is an entry in ClinVar:

ClinVar aggregate classification (germline): Uncertain significance (1 of 4 stars; one submission).

gnomAD v4.1: 20 of 1,612,872 alleles (0.0012%); highest among the groups gnomAD compares: East Asian, 0.0022%; no homozygotes.

Submission:

Labcorp Genetics (formerly Invitae), Labcorp
Classification: Uncertain significance. Last evaluated: 2025-02-13. Review status: criteria provided, single submitter. Criteria: Invitae Variant Classification Sherloc (09022015). Collection method: clinical testing. Allele origin: germline.
Comment: This sequence change creates a premature translational stop signal (p.Arg185*) in the MTMR14 gene. It is expected to result in an absent or disrupted protein product. However, the current clinical and genetic evidence is not sufficient to establish whether loss-of-function variants in MTMR14 cause disease. This variant is present in population databases (rs763236480, gnomAD 0.004%). This variant has not been reported in the literature in individuals affected with MTMR14-related conditions. In summary, the available evidence is currently insufficient to determine the role of this variant in disease. Therefore, it has been classified as a Variant of Uncertain Significance.

NM_001077525.3(MTMR14):c.553C>T (p.Arg185Ter)

Gene: MTMR14 (myotubularin related protein 14; plus strand). Cytogenetic location: 3p25.3.
Variant type: single nucleotide variant.
Coding change: c.553C>T on transcript NM_001077525.3 (MANE Select); coding-DNA position 553, C replaced by T.
Protein change: p.Arg185Ter; replaces arginine 185 with a stop codon.
Molecular consequence: nonsense. On other transcripts: missense variant (2), 5 prime UTR variant (10), non-coding transcript variant (6), intron variant (11).
Genome position (GRCh38, 1-based): chr3:9,669,491, C>T. VCF-style: chr3-9669491-C-T. GRCh37 (hg19) VCF-style: chr3-9711175-C-T.
Other names: c.553C>T, p.Arg185Ter (NM_001077526.3, NM_001400520.1, NM_001400523.1 and 2 more transcripts); c.622C>T, p.Arg208Ter (NM_001400518.1, NM_001400521.1, NM_001400526.1); c.553C>T, p.Arg185Cys (NM_001400519.1, NM_001400522.1); c.271C>T, p.Arg91Ter (NM_001400525.1, NM_001400529.1, NM_001400532.1 and 1 more transcripts); c.-90C>T (NM_001400534.1, NM_001400538.1, NM_001400540.1 and 5 more transcripts); c.-163C>T (NM_001400547.1, NM_001400548.1); c.-88-1557C>T (NM_001400533.1, NM_001400539.1, NM_001400545.1 and 1 more transcripts); c.-161-1557C>T (NM_001400544.1, NM_001400550.1); and 2 more; short protein forms R185C, R185*, R91*, R208*.
Identifiers: ClinVar variation 4747155 (VCV004747155.1).